The following is an entry in ClinVar:

ClinVar aggregate classification (germline): Conflicting classifications of pathogenicity. Review status: criteria provided, conflicting classifications (1 of 4 stars). 4 submissions from 4 submitters: Uncertain significance (2); Likely benign (2). Last evaluated 2026-09-01.

Conditions:
Cardiovascular phenotype. Identifiers: MedGen CN230736.
TTN-related disorder. Also called: TTN-related condition; TTN-related disease; TTN-related disorders.

Allele frequency attached by ClinVar (database versions not stated): gnomAD exomes below 0.00001 and 0.00001; ExAC 0.00001; gnomAD 0.00001 and 0.00002; TOPMed 0.00003.
gnomAD v4.1: 13 of 1,611,174 alleles (0.00081%); highest among the groups gnomAD compares: African/African-American, 0.0027%; no homozygotes.

Submissions (4):

CeGaT Center for Human Genetics Tuebingen
Classification: Uncertain significance. Last evaluated: 2026-09-01. Review status: criteria provided, single submitter. Criteria: CeGaT Center For Human Genetics Tuebingen Variant Classification Criteria Version 2. Collection method: clinical testing. Allele origin: germline. Affected: yes. Observed: 1 variant allele.
Comment: TTN: PM2, BP4

PreventionGenetics, part of Exact Sciences
Classification: Likely benign for TTN-related condition. Last evaluated: 2025-06-27. Review status: criteria provided, single submitter. Criteria: ACMG Guidelines, 2015. Collection method: clinical testing. Allele origin: germline.
Comment: This variant is classified as likely benign based on ACMG/AMP sequence variant interpretation guidelines (Richards et al. 2015 PMID: 25741868, with internal and published modifications).

Ambry Genetics
Classification: Uncertain significance for Cardiovascular phenotype. Last evaluated: 2025-05-02. Review status: criteria provided, single submitter. Criteria: Ambry Variant Classification Scheme 2023. Collection method: clinical testing. Allele origin: germline.
Comment: The c.3386-3T>C intronic variant results from a T to C substitution 3 nucleotides upstream from coding exon 20 in the TTN gene. This nucleotide position is well conserved in available vertebrate species. In silico splice site analysis predicts that this alteration will not have any significant effect on splicing. Based on the available evidence, the clinical significance of this variant remains unclear.

GeneDx
Classification: Likely benign. Last evaluated: 2018-04-03. Review status: criteria provided, single submitter. Criteria: GeneDx Variant Classification Process June 2021. Collection method: clinical testing. Allele origin: germline. Affected: yes.

NM_001267550.2(TTN):c.3524-3T>C

Gene: TTN (titin; minus strand). Cytogenetic location: 2q31.2.
Variant type: single nucleotide variant.
Coding change: c.3524-3T>C on transcript NM_001267550.2 (MANE Select); 3 bases into the intron before coding-DNA position 3524, T replaced by C.
Molecular consequence: intron variant.
Genome position (GRCh38, 1-based): chr2:178,780,208, A>G on the plus strand (T>C on the coding strand, the complement: TTN is on the minus strand). VCF-style: chr2-178780208-A-G. GRCh37 (hg19) VCF-style: chr2-179644935-A-G.
Other names: c.3386-3T>C (NM_003319.4, NM_133437.4, NM_133432.3); c.3524-3T>C (NM_133378.4, NM_001256850.1, NM_133379.5).
Identifiers: ClinVar variation 390854 (VCV000390854.8), dbSNP rs762717963, ClinGen allele CA2005523.